The following is an entry in ClinVar:

ClinVar aggregate classification (germline): Uncertain significance (1 of 4 stars; one submission).

Submission:

GeneDx
Classification: Uncertain significance. Last evaluated: 2024-02-14. Review status: criteria provided, single submitter. Criteria: GeneDx Variant Classification Process June 2021. Collection method: clinical testing. Allele origin: germline. Affected: yes.
Comment: Not observed at significant frequency in large population cohorts (gnomAD); In silico analysis supports that this missense variant has a deleterious effect on protein structure/function; Has not been previously published as pathogenic or benign to our knowledge

NM_001134407.3(GRIN2A):c.1209C>G (p.Asp403Glu)

Gene: GRIN2A (glutamate ionotropic receptor NMDA type subunit 2A; minus strand). Cytogenetic location: 16p13.2.
Variant type: single nucleotide variant.
Coding change: c.1209C>G on transcript NM_001134407.3 (MANE Select); coding-DNA position 1209, C replaced by G.
Protein change: p.Asp403Glu; replaces aspartic acid 403 with glutamic acid.
Molecular consequence: missense variant.
Genome position (GRCh38, 1-based): chr16:9,849,875, G>C on the plus strand (C>G on the coding strand, the complement: GRIN2A is on the minus strand). VCF-style: chr16-9849875-G-C. GRCh37 (hg19) VCF-style: chr16-9943732-G-C.
Other names: c.1209C>G, p.Asp403Glu (NM_000833.5, NM_001134408.2); short protein forms D403E.
Identifiers: ClinVar variation 3369254 (VCV003369254.1).
Genomic context (GRCh38, chr16:9,849,875, plus strand): 5'-GTCTATGTCTTCCACGATGACGAATGGGGCCTCCTCCAGGGTGACGATGCTGAGATGGTT[G>C]TCATCCGGCTCACAGTCGGAGAAGGACTTGTACCTGGGCCACACGGCGTGCCTCAGGCTC-3'
Protein context (NP_001127879.1, residues 393-413): YKSFSDCEPD[Asp403Glu]NHLSIVTLEE